The following is an entry in ClinVar:

NM_000458.4(HNF1B):c.344+2_344+5del

Gene: HNF1B (HNF1 homeobox B; minus strand). Cytogenetic location: 17q12.
Variant type: Deletion.
Coding change: c.344+2_344+5del on transcript NM_000458.4 (MANE Select); the canonical splice donor site of the intron after coding-DNA position 344 through 5 bases into the intron after coding-DNA position 344, 4 bases deleted (TAGG; older notation c.344+2_344+5delTAGG).
Molecular consequence: splice donor variant.
Genome position (GRCh38, 1-based): chr17:37,744,536-37,744,539, CCTA deleted on the plus strand (TAGG on the coding strand, the reverse complement: HNF1B is on the minus strand); deleting any 4 consecutive bases within chr17:37,744,536-37,744,542 gives the same sequence; the c. name uses the placement nearest the transcript's 3' end. VCF-style (leftmost placement, unchanged base first): chr17-37744535-GCCTA-G. GRCh37 (hg19) VCF-style: chr17-36104526-GCCTA-G.
Other names: c.344+2_344+5del (NM_001304286.2, NM_001165923.4).
Identifiers: ClinVar variation 1706960 (VCV001706960.4), dbSNP rs2511849287, ClinGen allele CA913185927.
Genomic context (GRCh38, chr17:37,744,535, plus strand): 5'-CACTCAGGCCCGGGGCCGGGGCTCCAGGGGTTCGGGTGGGTCCCCTCCACCTCGCTCTGC[GCCTA>G]CCTGAGCATCCGGTCCACCTCCGCCCGCTGCTCCGCCGCCTCCTCGGTGTTGAGCGCCTG-3'

ClinVar aggregate classification (germline): Pathogenic. Review status: criteria provided, multiple submitters, no conflicts (2 of 4 stars). 3 submissions from 3 submitters: Pathogenic (3). Last evaluated 2025-09-10.

Conditions:
Renal cysts and diabetes syndrome (RCAD). Also called: Familial hypoplastic, glomerulocystic kidney; MATURITY-ONSET DIABETES OF THE YOUNG, TYPE 5. Identifiers: Orphanet 93111, MedGen C0431693, MONDO:0007669, OMIM 137920.

Submissions (3):

Genomic Medicine Center of Excellence, King Faisal Specialist Hospital and Research Centre
Classification: Pathogenic for Renal cysts and diabetes syndrome. Last evaluated: 2025-09-10. Review status: criteria provided, single submitter. Criteria: ACMG Guidelines, 2015. Collection method: clinical testing. Allele origin: germline.

Broad Center for Mendelian Genomics, Broad Institute of MIT and Harvard
Classification: Pathogenic for Renal cysts and diabetes syndrome. Last evaluated: 2023-05-02. Review status: criteria provided, single submitter. Criteria: ACMG Guidelines, 2015. Collection method: curation. Allele origin: germline. Inheritance: Autosomal dominant inheritance.
Comment: Trio exome analysis showed this variant to be de novo. The c.344+2_344+5del variant in HNF1B has been previously reported in one individual with renal dysplasia (PMID: 28566479). This variant is absent from population databases. This variant has also been reported in ClinVar (Variation ID: 1706960) and has been interpreted as pathogenic by GeneDx. A different nucleotide change that also results in a splice donor variant at the same site, c.344+2T>C (ClinVar Variation ID: 635712), has been previously reported pathogenic, and the variant being assessed here, c.344+2_344+5del, is predicted by SpliceAI to have a similar effect on splicing. This variant is located in the 5' splice region. Computational tools predict a splicing impact, though this information is not predictive enough to determine pathogenicity. Heterozygous loss of function of the HNF1B gene is an established disease mechanism in renal cysts and diabetes syndrome. In summary, this variant meets criteria to be classified as pathogenic for autosomal dominant renal cysts and diabetes syndrome. ACMG/AMP Criteria applied: PVS1, PS1_Supporting, PS2_Moderate, PS4_Supporting, PM2_Supporting (Richards 2015).

GeneDx
Classification: Pathogenic. Last evaluated: 2022-03-22. Review status: criteria provided, single submitter. Criteria: GeneDx Variant Classification Process June 2021. Collection method: clinical testing. Allele origin: germline. Affected: yes.
Comment: Reported in a patient with unilateral multicystic renal dysplasia in published literature (Heidet et al., 2017); Canonical splice site variant predicted to result in a null allele in a gene for which loss of function is a known mechanism of disease; Not observed at significant frequency in large population cohorts (gnomAD); This variant is associated with the following publications: (PMID: 28566479)